The following is an entry in ClinVar:

NM_000383.4(AIRE):c.925A>G (p.Ile309Val)

Gene: AIRE (autoimmune regulator; plus strand). Cytogenetic location: 21q22.3.
Variant type: single nucleotide variant.
Coding change: c.925A>G on transcript NM_000383.4 (MANE Select); coding-DNA position 925, A replaced by G.
Protein change: p.Ile309Val; replaces isoleucine 309 with valine.
Molecular consequence: missense variant.
Genome position (GRCh38, 1-based): chr21:44,291,140, A>G. VCF-style: chr21-44291140-A-G. GRCh37 (hg19) VCF-style: chr21-45711023-A-G.
Other names: c.925A>G (LRG_18t1); short protein forms I309V.
Identifiers: ClinVar variation 458620 (VCV000458620.10), dbSNP rs936714310, ClinGen allele CA410424884.

ClinVar aggregate classification (germline): Uncertain significance. Review status: criteria provided, multiple submitters, no conflicts (2 of 4 stars). 4 submissions from 4 submitters: Uncertain significance (3). 1 of the submissions does not count toward it. Last evaluated 2023-06-12.

Conditions:
Inborn genetic diseases. Identifiers: MedGen C0950123, MeSH D030342.
Polyglandular autoimmune syndrome, type 1 (APS1). Also called: PGA I; Autoimmune polyendocrine syndrome type 1; AUTOIMMUNE POLYENDOCRINE SYNDROME, TYPE I, WITH OR WITHOUT REVERSIBLE METAPHYSEAL DYSPLASIA; APS I; HYPOADRENOCORTICISM WITH HYPOPARATHYROIDISM AND SUPERFICIAL MONILIASIS; Autoimmune polyendocrinopathy syndrome , type I, with or without reversible metaphyseal dysplasia. Identifiers: Orphanet 3453, MedGen C0085859, MONDO:0009411, OMIM 240300.

Allele frequency attached by ClinVar (database versions not stated): gnomAD exomes below 0.00001.
gnomAD v4.1: 1 of 1,611,726 alleles (0.000062%); highest among the groups gnomAD compares: Non-Finnish European, 0.000085%; no homozygotes.

Submissions (4):

Ambry Genetics
Classification: Uncertain significance for Inborn genetic diseases. Last evaluated: 2023-06-12. Review status: criteria provided, single submitter. Criteria: Ambry Variant Classification Scheme 2023. Collection method: clinical testing. Allele origin: germline.

Labcorp Genetics (formerly Invitae), Labcorp
Classification: Uncertain significance for Polyglandular autoimmune syndrome, type 1. Last evaluated: 2021-08-12. Review status: criteria provided, single submitter. Criteria: Invitae Variant Classification Sherloc (09022015). Collection method: clinical testing. Allele origin: germline.
Comment: This sequence change replaces isoleucine with valine at codon 309 of the AIRE protein (p.Ile309Val). The isoleucine residue is highly conserved and there is a small physicochemical difference between isoleucine and valine. This variant is not present in population databases (ExAC no frequency). This missense change has been observed in individual(s) with AIRE-related disease (Invitae). In at least one individual the data is consistent with the variant being in trans (on the opposite chromosome) from a pathogenic variant. ClinVar contains an entry for this variant (Variation ID: 458620). Algorithms developed to predict the effect of missense changes on protein structure and function are either unavailable or do not agree on the potential impact of this missense change (SIFT: "Tolerated"; PolyPhen-2: "Possibly Damaging"; Align-GVGD: "Class C15"). In summary, the available evidence is currently insufficient to determine the role of this variant in disease. Therefore, it has been classified as a Variant of Uncertain Significance.

Athena Diagnostics
Classification: Uncertain significance. Last evaluated: 2018-05-23. Review status: criteria provided, single submitter. Criteria: Athena Diagnostics Criteria. Collection method: clinical testing. Allele origin: germline.

Natera, Inc.
Classification: Uncertain significance for Polyglandular autoimmune syndrome type 1. Last evaluated: 2020-02-02. Review status: no assertion criteria provided. Collection method: clinical testing. Allele origin: germline. Not counted in ClinVar's aggregate classification.